The following is an entry in ClinVar:

ClinVar aggregate classification (germline): Uncertain significance. Review status: criteria provided, multiple submitters, no conflicts (2 of 4 stars). 3 submissions from 3 submitters: Uncertain significance (3). Last evaluated 2026-01-04.

Conditions:
Peutz-Jeghers syndrome (PJS). Also called: Peutz-Jeghers polyposis; Periorificial lentiginosis syndrome; POLYPOSIS, HAMARTOMATOUS INTESTINAL; POLYPS-AND-SPOTS SYNDROME. Identifiers: Orphanet 2869, MedGen C0031269, MeSH D010580, MONDO:0008280, OMIM 175200.
Melanoma, cutaneous malignant, susceptibility to, 1 (CMM1). Also called: B-K MOLE SYNDROME; FAMILIAL ATYPICAL MOLE-MALIGNANT MELANOMA SYNDROME; DYSPLASTIC NEVUS SYNDROME, HEREDITARY; MELANOMA, MALIGNANT. Identifiers: Orphanet 618, MedGen C1835047, MONDO:0007963, OMIM 155600.
Familial pancreatic carcinoma. Identifiers: Orphanet 1333, MedGen C2931038, MONDO:0015278, OMIM 260350.
Germ cell tumor of testis (TGCT). Also called: GERM CELL TUMOR, SOMATIC; Testicular germ cell tumor. Identifiers: Orphanet 363504, MedGen C1336708, MONDO:0010108, OMIM 273300.
Hereditary cancer-predisposing syndrome. Also called: Neoplastic Syndromes, Hereditary; Tumor predisposition; Hereditary neoplastic syndrome; Hereditary Cancer Syndrome. Identifiers: Orphanet 140162, MedGen C0027672, MeSH D009386, MONDO:0015356.

gnomAD v4.1: 1 of 1,548,296 alleles (0.000065%); highest among the groups gnomAD compares: Non-Finnish European, 0.000087%; no homozygotes.

Submissions (3):

Labcorp Genetics (formerly Invitae), Labcorp
Classification: Uncertain significance for Peutz-Jeghers syndrome. Last evaluated: 2026-01-04. Review status: criteria provided, single submitter. Criteria: Invitae Variant Classification Sherloc (09022015). Collection method: clinical testing. Allele origin: germline.
Comment: This sequence change replaces arginine, which is basic and polar, with leucine, which is neutral and non-polar, at codon 425 of the STK11 protein (p.Arg425Leu). This variant is not present in population databases (gnomAD no frequency). This variant has not been reported in the literature in individuals affected with STK11-related conditions. ClinVar contains an entry for this variant (Variation ID: 1488052). Invitae Evidence Modeling of protein sequence and biophysical properties (such as structural, functional, and spatial information, amino acid conservation, physicochemical variation, residue mobility, and thermodynamic stability) indicates that this missense variant is not expected to disrupt STK11 protein function with a negative predictive value of 95%. In summary, the available evidence is currently insufficient to determine the role of this variant in disease. Therefore, it has been classified as a Variant of Uncertain Significance.

Ambry Genetics
Classification: Uncertain significance for Hereditary cancer-predisposing syndrome. Last evaluated: 2025-02-26. Review status: criteria provided, single submitter. Criteria: Ambry Variant Classification Scheme 2023. Collection method: clinical testing. Allele origin: germline.
Comment: The p.R425L variant (also known as c.1274G>T), located in coding exon 9 of the STK11 gene, results from a G to T substitution at nucleotide position 1274. The arginine at codon 425 is replaced by leucine, an amino acid with dissimilar properties. This amino acid position is highly conserved in available vertebrate species. In addition, the in silico prediction for this alteration is inconclusive. Based on the available evidence, the clinical significance of this variant remains unclear.

Department of Pathology and Laboratory Medicine, Sinai Health System
Classification: Uncertain significance for Melanoma, cutaneous malignant, susceptibility to, 1; Peutz-Jeghers syndrome; Familial pancreatic carcinoma; Germ cell tumor of testis. Last evaluated: 2024-07-30. Review status: criteria provided, single submitter. Criteria: ACMG Guidelines, 2015. Collection method: clinical testing. Allele origin: germline.

NM_000455.5(STK11):c.1274G>T (p.Arg425Leu)

Gene: STK11 (serine/threonine kinase 11; plus strand). Cytogenetic location: 19p13.3.
Variant type: single nucleotide variant.
Coding change: c.1274G>T on transcript NM_000455.5 (MANE Select); coding-DNA position 1274, G replaced by T.
Protein change: p.Arg425Leu; replaces arginine 425 with leucine.
Molecular consequence: missense variant.
Genome position (GRCh38, 1-based): chr19:1,226,619, G>T. VCF-style: chr19-1226619-G-T. GRCh37 (hg19) VCF-style: chr19-1226618-G-T.
Other names: c.1274G>T (NM_000455.4); short protein forms R425L.
Identifiers: ClinVar variation 1488052 (VCV001488052.7), dbSNP rs730881992, ClinGen allele CA402954182.